The following is an entry in ClinVar:

ClinVar aggregate classification (germline): Uncertain significance. Review status: criteria provided, multiple submitters, no conflicts (2 of 4 stars). 2 submissions from 2 submitters: Uncertain significance (2). Last evaluated 2025-10-22.

Conditions:
Hereditary cancer-predisposing syndrome. Also called: Hereditary neoplastic syndrome; Hereditary Cancer Syndrome; Tumor predisposition; Neoplastic Syndromes, Hereditary. Identifiers: Orphanet 140162, MedGen C0027672, MeSH D009386, MONDO:0015356.

Submissions (2):

Ambry Genetics
Classification: Uncertain significance for Hereditary cancer-predisposing syndrome. Last evaluated: 2025-10-22. Review status: criteria provided, single submitter. Criteria: Ambry Variant Classification Scheme 2023. Collection method: clinical testing. Allele origin: germline.
Comment: The p.M9I variant (also known as c.27G>C), located in coding exon 1 of the NTHL1 gene, results from a G to C substitution at nucleotide position 27. The methionine at codon 9 is replaced by isoleucine, an amino acid with highly similar properties. This amino acid position is conserved. In addition, this alteration is predicted to be tolerated by in silico analysis. Based on the available evidence, the clinical significance of this variant remains unclear.

Labcorp Genetics (formerly Invitae), Labcorp
Classification: Uncertain significance. Last evaluated: 2022-09-01. Review status: criteria provided, single submitter. Criteria: Invitae Variant Classification Sherloc (09022015). Collection method: clinical testing. Allele origin: germline.
Comment: In summary, the available evidence is currently insufficient to determine the role of this variant in disease. Therefore, it has been classified as a Variant of Uncertain Significance. Algorithms developed to predict the effect of missense changes on protein structure and function are either unavailable or do not agree on the potential impact of this missense change (SIFT: "Not Available"; PolyPhen-2: "Benign"; Align-GVGD: "Not Available"). This variant has not been reported in the literature in individuals affected with NTHL1-related conditions. This variant is not present in population databases (gnomAD no frequency). This sequence change replaces methionine, which is neutral and non-polar, with isoleucine, which is neutral and non-polar, at codon 9 of the NTHL1 protein (p.Met9Ile).

NM_002528.7(NTHL1):c.3G>C (p.Met1Ile)

Gene: NTHL1 (nth like DNA glycosylase 1; minus strand). Cytogenetic location: 16p13.3.
Variant type: single nucleotide variant.
Coding change: c.3G>C on transcript NM_002528.7 (MANE Select); coding-DNA position 3, G replaced by C.
Protein change: p.Met1Ile; changes the start codon (methionine 1).
Molecular consequence: missense variant, initiator codon variant. On other transcripts: 5 prime UTR variant (1).
Genome position (GRCh38, 1-based): chr16:2,047,821, C>G on the plus strand (G>C on the coding strand, the complement: NTHL1 is on the minus strand). VCF-style: chr16-2047821-C-G. GRCh37 (hg19) VCF-style: chr16-2097822-C-G.
Other names: c.3G>C, p.Met1Ile (NM_001318193.2); c.-176G>C (NM_001318194.2); c.27G>C (NM_002528.5); short protein forms M1I.
Identifiers: ClinVar variation 2001594 (VCV002001594.6), dbSNP rs2150958900, ClinGen allele CA394298723.